The following is an entry in ClinVar:

NM_024079.5(ALG8):c.1506C>T (p.Gly502=)

Gene: ALG8 (ALG8 alpha-1,3-glucosyltransferase; minus strand). Cytogenetic location: 11q14.1.
Variant type: single nucleotide variant.
Coding change: c.1506C>T on transcript NM_024079.5 (MANE Select); coding-DNA position 1506, C replaced by T.
Protein change: p.Gly502=; no amino-acid change (glycine 502 retained).
Molecular consequence: synonymous variant. On other transcripts: 3 prime UTR variant (1).
Genome position (GRCh38, 1-based): chr11:78,101,039, G>A on the plus strand (C>T on the coding strand, the complement: ALG8 is on the minus strand). VCF-style: chr11-78101039-G-A. GRCh37 (hg19) VCF-style: chr11-77812085-G-A.
Other names: c.*177C>T (NM_001007027.3).
Identifiers: ClinVar variation 715356 (VCV000715356.17), dbSNP rs148820351, ClinGen allele CA6203109.

ClinVar aggregate classification (germline): Conflicting classifications of pathogenicity. Review status: criteria provided, conflicting classifications (1 of 4 stars). 3 submissions from 3 submitters: Uncertain significance (1); Likely benign (1). 1 of the submissions does not count toward it. Last evaluated 2025-12-07.

Conditions:
ALG8 congenital disorder of glycosylation. Also called: CDG Ih; CONGENITAL DISORDER OF GLYCOSYLATION, TYPE Ih; ALG8-CDG. Identifiers: Orphanet 79325, MedGen C2931002, MONDO:0011969, OMIM 608104.
ALG8-related disorder.

Allele frequency attached by ClinVar (database versions not stated): gnomAD exomes 0.00018 and 0.00040; ExAC 0.00030; TOPMed 0.00030; gnomAD 0.00031; ESP Exome Variant Server 0.00069.
gnomAD v4.1: 342 of 1,614,076 alleles (0.021%); highest among the groups gnomAD compares: Non-Finnish European, 0.0036%; 1 homozygote.

Submissions (3):

Labcorp Genetics (formerly Invitae), Labcorp
Classification: Likely benign for ALG8 congenital disorder of glycosylation. Last evaluated: 2025-12-07. Review status: criteria provided, single submitter. Criteria: Invitae Variant Classification Sherloc (09022015). Collection method: clinical testing. Allele origin: germline.

Illumina Laboratory Services, Illumina
Classification: Uncertain significance for ALG8 congenital disorder of glycosylation. Last evaluated: 2018-01-13. Review status: criteria provided, single submitter. Criteria: ICSL Variant Classification Criteria 13 December 2019. Collection method: clinical testing. Allele origin: germline.

PreventionGenetics, part of Exact Sciences
Classification: Benign for ALG8-related condition. Last evaluated: 2019-11-12. Review status: no assertion criteria provided. Collection method: clinical testing. Allele origin: germline. Not counted in ClinVar's aggregate classification.
Comment: This variant is classified as benign based on ACMG/AMP sequence variant interpretation guidelines (Richards et al. 2015 PMID: 25741868, with internal and published modifications).